The following is an entry in ClinVar:

ClinVar aggregate classification (germline): Likely benign. Review status: reviewed by expert panel (3 of 4 stars). 5 submissions from 5 submitters: Likely benign (1). 4 of the submissions do not count toward it. Last evaluated 2024-11-19.

Conditions:
Nemaline myopathy. Also called: Myopathies, Nemaline. Identifiers: Orphanet 607, MedGen C0206157, MONDO:0018958.
Arthrogryposis multiplex congenita 6. Identifiers: MedGen C5543431, MONDO:0030281, OMIM 619334.
Nemaline myopathy 2 (NEM2). Also called: Nemaline myopathy 2, autosomal recessive. Identifiers: MedGen C1850569, MONDO:0009725, OMIM 256030.

Allele frequency attached by ClinVar (database versions not stated): gnomAD exomes 0.00004 and 0.00018; gnomAD 0.00005 and 0.00008; TOPMed 0.00008; ExAC 0.00016; 1000 Genomes Project 30x 0.00031; 1000 Genomes Project 0.00040.
gnomAD v4.1: 68 of 1,613,784 alleles (0.0042%); highest among the groups gnomAD compares: East Asian, 0.089%; no homozygotes.

Submissions (5):

ClinGen Congenital Myopathies Variant Curation Expert Panel, ClinGen
Classification: Likely benign for Nemaline myopathy. Last evaluated: 2024-11-19. Review status: reviewed by expert panel. Criteria: ClinGen CongenMyopathy ACMG Specifications NEB V1.0.0. Collection method: curation. Allele origin: germline. Inheritance: Autosomal recessive inheritance.
Comment: The c.11341C>T (NM_001164508.2(NEB):c.11341C>T (p.Arg3781Trp)) variant in NEB is a missense variant predicted to cause substitution of arginine by tryptophan at amino acid 3781 (p.Arg3781Trp). The groupmax filtering allele frequency (95 % confidence interval) in gnomAD v4.1.0 is 0.0005221 in the East Asian population, which is higher than the ClinGen Congenital Myopathies VCEP threshold (≥0.000237) for BS1, and therefore meets this criterion (BS1). The computational predictor REVEL gives a score of 0.258, which is neither above nor below the thresholds predicting a damaging or benign impact on NEB function (no codes met). In summary, this variant meets the criteria to be classified as likely benign for autosomal recessive nemaline myopathy based on the ACMG/AMP criteria applied, as specified by the ClinGen Congenital Myopathies VCEP: BS1 (ClinGen Congenital Myopathies VCEP Specifications Version 1.0; 11/19/2024).

Labcorp Genetics (formerly Invitae), Labcorp
Classification: Likely benign for Nemaline myopathy 2. Last evaluated: 2026-02-02. Review status: criteria provided, single submitter. Criteria: Invitae Variant Classification Sherloc (09022015). Collection method: clinical testing. Allele origin: germline. Not counted in ClinVar's aggregate classification.

Department of Pathology and Laboratory Medicine, Sinai Health System
Classification: Uncertain significance for Nemaline myopathy 2; Arthrogryposis multiplex congenita 6. Last evaluated: 2022-10-03. Review status: criteria provided, single submitter. Criteria: ACMG Guidelines, 2015. Collection method: research. Allele origin: germline. Not counted in ClinVar's aggregate classification.

GeneDx
Classification: Uncertain significance. Last evaluated: 2017-10-17. Review status: criteria provided, single submitter. Criteria: GeneDx Variant Classification (06012015). Collection method: clinical testing. Allele origin: germline. Affected: yes. Not counted in ClinVar's aggregate classification.
Comment: A variant of uncertain significance has been identified in the NEB gene. The R3781W variant has not been published as a pathogenic variant, nor has it been reported as a benign variant to our knowledge. The R3781W variant is observed in 44/18858 (0.2%) alleles from individuals of East Asian background, in large population cohorts (Lek et al., 2016). The R3781W variant is a non-conservative amino acid substitution, which is likely to impact secondary protein structure as these residues differ in polarity, charge, size and/or other properties. Additionally, this substitution occurs at a position that is conserved in mammals, and in silico analysis predicts this variant is probably damaging to the protein structure/function. Therefore, based on the currently available information, it is unclear whether this variant is a pathogenic variant or a rare benign variant.

Biochemistry Laboratory of CDMU, Chengde Medical University
Classification: Likely pathogenic for Nemaline myopathy 2. Review status: no assertion criteria provided. Criteria: ACMG Guidelines, 2015. Collection method: case-control. Allele origin: inherited. Affected: yes. Not counted in ClinVar's aggregate classification.

NM_001164508.2(NEB):c.11341C>T (p.Arg3781Trp)

Gene: NEB (nebulin; minus strand). Cytogenetic location: 2q23.3.
Variant type: single nucleotide variant.
Coding change: c.11341C>T on transcript NM_001164508.2 (MANE Select); coding-DNA position 11341, C replaced by T.
Protein change: p.Arg3781Trp; replaces arginine 3781 with tryptophan.
Molecular consequence: missense variant.
Genome position (GRCh38, 1-based): chr2:151,614,536, G>A on the plus strand (C>T on the coding strand, the complement: NEB is on the minus strand). VCF-style: chr2-151614536-G-A. GRCh37 (hg19) VCF-style: chr2-152471050-G-A.
Other names: NM_001164508.2(NEB):c.11341C>T; p.Arg3781Trp; c.11341C>T, p.Arg3781Trp (NM_001164507.2, NM_001271208.2); c.10612C>T, p.Arg3538Trp (NM_004543.5); short protein forms R3781W, R3538W.
Identifiers: ClinVar variation 452824 (VCV000452824.15), dbSNP rs533027587, ClinGen allele CA1908771.